The following is an entry in ClinVar:

ClinVar aggregate classification (germline): Benign/Likely benign. Review status: criteria provided, multiple submitters, no conflicts (2 of 4 stars). 4 submissions from 2 submitters: Benign (2); Likely benign (2). Last evaluated 2018-01-13.

Conditions:
Retinitis pigmentosa (RP). Identifiers: Orphanet 791, MedGen C0035334, MeSH D012174, MONDO:0019200, OMIM 268000. Inheritance: Autosomal dominant, autosomal recessive and X linked inheritance.
Leber congenital amaurosis 7 (LCA7). Identifiers: Orphanet 65, MedGen C3151192, MONDO:0013449, OMIM 613829.
Cone-rod dystrophy 2 (CORD2). Also called: CONE-ROD RETINAL DYSTROPHY; Cone-rod retinal dystrophy 2. Identifiers: Orphanet 1872, MedGen C3489532, MONDO:0007362, OMIM 120970.

Allele frequency attached by ClinVar (database versions not stated): 1000 Genomes Project 0.00958; 1000 Genomes Project 30x 0.01031; gnomAD 0.01106 and 0.01193; TOPMed 0.01289.

Submissions (4):

Illumina Laboratory Services, Illumina
Classification: Likely benign for Leber congenital amaurosis 7. Last evaluated: 2018-01-13. Review status: criteria provided, single submitter. Criteria: ICSL Variant Classification Criteria 13 December 2019. Collection method: clinical testing. Allele origin: germline.
Comment: This variant was observed in the ICSL laboratory as part of a predisposition screen in an ostensibly healthy population. It had not been previously curated by ICSL or reported in the Human Gene Mutation Database (HGMD: prior to June 1st, 2018), and was therefore a candidate for classification through an automated scoring system. Utilizing variant allele frequency, disease prevalence and penetrance estimates, and inheritance mode, an automated score was calculated to assess if this variant is too frequent to cause the disease. Based on the score and internal cut-off values, a variant classified as likely benign is not then subjected to further curation. The score for this variant resulted in a classification of likely benign for this disease.

Illumina Laboratory Services, Illumina
Classification: Benign for Cone-rod dystrophy 2. Last evaluated: 2018-01-13. Review status: criteria provided, single submitter. Criteria: ICSL Variant Classification Criteria 13 December 2019. Collection method: clinical testing. Allele origin: germline.
Comment: This variant was observed in the ICSL laboratory as part of a predisposition screen in an ostensibly healthy population. It had not been previously curated by ICSL or reported in the Human Gene Mutation Database (HGMD: prior to June 1st, 2018), and was therefore a candidate for classification through an automated scoring system. Utilizing variant allele frequency, disease prevalence and penetrance estimates, and inheritance mode, an automated score was calculated to assess if this variant is too frequent to cause the disease. Based on the score and internal cut-off values, a variant classified as benign is not then subjected to further curation. The score for this variant resulted in a classification of benign for this disease.

Illumina Laboratory Services, Illumina
Classification: Benign for Retinitis pigmentosa. Last evaluated: 2018-01-13. Review status: criteria provided, single submitter. Criteria: ICSL Variant Classification Criteria 13 December 2019. Collection method: clinical testing. Allele origin: germline.
Comment: the same text as in the submission from Illumina Laboratory Services, Illumina above.

Breakthrough Genomics
Classification: Likely benign. Review status: criteria provided, single submitter. Criteria: ACMG Guidelines, 2015. Collection method: not provided. Allele origin: germline. Inheritance: Autosomal dominant inheritance. Affected: yes.

NM_000554.6(CRX):c.*1220G>A

Gene: CRX (cone-rod homeobox; plus strand). Cytogenetic location: 19q13.33.
Variant type: single nucleotide variant.
Coding change: c.*1220G>A on transcript NM_000554.6 (MANE Select); 1220 bases downstream of the stop codon, G replaced by A.
Molecular consequence: 3 prime UTR variant.
Genome position (GRCh38, 1-based): chr19:47,841,187, G>A. VCF-style: chr19-47841187-G-A. GRCh37 (hg19) VCF-style: chr19-48344444-G-A.
Identifiers: ClinVar variation 329738 (VCV000329738.6), dbSNP rs58323327, ClinGen allele CA10648908.
Genomic context (GRCh38, chr19:47,841,187, plus strand): 5'-AATAAATTATCTGGGAATTTCACAGACTTCACAAATGTCAGGCTTACATGGTAGGTTTAG[G>A]GGACCGTTTGAGAGACAAAGATCTACATTCATATATGTAGCTATACATATATGTACTTTT-3'